The following is an entry in ClinVar:

ClinVar aggregate classification (germline): Uncertain significance. Review status: criteria provided, multiple submitters, no conflicts (2 of 4 stars). 2 submissions from 2 submitters: Uncertain significance (2). Last evaluated 2024-10-14.

Conditions:
Hereditary cancer-predisposing syndrome. Also called: Hereditary Cancer Syndrome; Tumor predisposition; Neoplastic Syndromes, Hereditary; Hereditary neoplastic syndrome. Identifiers: Orphanet 140162, MedGen C0027672, MeSH D009386, MONDO:0015356.

Submissions (2):

Ambry Genetics
Classification: Uncertain significance for Hereditary cancer-predisposing syndrome. Last evaluated: 2024-10-14. Review status: criteria provided, single submitter. Criteria: Ambry Variant Classification Scheme 2023. Collection method: clinical testing. Allele origin: germline.
Comment: The p.T1875A variant (also known as c.5623A>G), located in coding exon 41 of the POLE gene, results from an A to G substitution at nucleotide position 5623. The threonine at codon 1875 is replaced by alanine, an amino acid with similar properties. This amino acid position is conserved. In addition, the in silico prediction for this alteration is inconclusive. Based on the available evidence, the clinical significance of this variant remains unclear.

Labcorp Genetics (formerly Invitae), Labcorp
Classification: Uncertain significance. Last evaluated: 2022-02-22. Review status: criteria provided, single submitter. Criteria: Invitae Variant Classification Sherloc (09022015). Collection method: clinical testing. Allele origin: germline.
Comment: Algorithms developed to predict the effect of missense changes on protein structure and function are either unavailable or do not agree on the potential impact of this missense change (SIFT: "Deleterious"; PolyPhen-2: "Probably Damaging"; Align-GVGD: "Class C0"). In summary, the available evidence is currently insufficient to determine the role of this variant in disease. Therefore, it has been classified as a Variant of Uncertain Significance. This variant has not been reported in the literature in individuals affected with POLE-related conditions. This variant is not present in population databases (gnomAD no frequency). This sequence change replaces threonine, which is neutral and polar, with alanine, which is neutral and non-polar, at codon 1875 of the POLE protein (p.Thr1875Ala).

NM_006231.4(POLE):c.5623A>G (p.Thr1875Ala)

Gene: POLE (DNA polymerase epsilon, catalytic subunit; minus strand). Cytogenetic location: 12q24.33.
Variant type: single nucleotide variant.
Coding change: c.5623A>G on transcript NM_006231.4 (MANE Select); coding-DNA position 5623, A replaced by G.
Protein change: p.Thr1875Ala; replaces threonine 1875 with alanine.
Molecular consequence: missense variant.
Genome position (GRCh38, 1-based): chr12:132,638,069, T>C on the plus strand (A>G on the coding strand, the complement: POLE is on the minus strand). VCF-style: chr12-132638069-T-C. GRCh37 (hg19) VCF-style: chr12-133214655-T-C.
Other names: c.5623A>G (NM_006231.2); short protein forms T1875A.
Identifiers: ClinVar variation 2102173 (VCV002102173.5), dbSNP rs2138501065, ClinGen allele CA387374075.
Genomic context (GRCh38, chr12:132,638,069, plus strand): 5'-CGCACCTGCTGGTGATGTACTCCACGTAAGCGATGGCATCTTCCACACGGCGCTTCTTTG[T>C]ACAGAGGATGATGCGGTTGAAGTTGGCGTAGATGACTGATGACCCCAGGCGCTTGAACTC-3'
Protein context (NP_006222.2, residues 1865-1885): YANFNRIILC[Thr1875Ala]KKRRVEDAIA